The following is an entry in ClinVar:

ClinVar aggregate classification (germline): Uncertain significance (1 of 4 stars; one submission).

Submission:

GeneDx
Classification: Uncertain significance. Last evaluated: 2024-05-14. Review status: criteria provided, single submitter. Criteria: GeneDx Variant Classification Process June 2021. Collection method: clinical testing. Allele origin: germline. Affected: yes.
Comment: Not observed at significant frequency in large population cohorts (gnomAD); In silico analysis supports that this missense variant does not alter protein structure/function; Has not been previously published as pathogenic or benign to our knowledge

NM_001807.6(CEL):c.1682C>T (p.Pro561Leu)

Gene: CEL (carboxyl ester lipase; plus strand). Cytogenetic location: 9q34.13.
Variant type: single nucleotide variant.
Coding change: c.1682C>T on transcript NM_001807.6 (MANE Select); coding-DNA position 1682, C replaced by T.
Protein change: p.Pro561Leu; replaces proline 561 with leucine.
Molecular consequence: missense variant.
Genome position (GRCh38, 1-based): chr9:133,071,184, C>T. VCF-style: chr9-133071184-C-T. GRCh37 (hg19) VCF-style: chr9-135946571-C-T.
Other names: short protein forms P561L.
Identifiers: ClinVar variation 3378039 (VCV003378039.1).